The following is an entry in ClinVar:

NM_001130438.3(SPTAN1):c.4378T>C (p.Trp1460Arg)

Gene: SPTAN1 (spectrin alpha, non-erythrocytic 1; plus strand). Cytogenetic location: 9q34.11.
Variant type: single nucleotide variant.
Coding change: c.4378T>C on transcript NM_001130438.3 (MANE Select); coding-DNA position 4378, T replaced by C.
Protein change: p.Trp1460Arg; replaces tryptophan 1460 with arginine.
Molecular consequence: missense variant.
Genome position (GRCh38, 1-based): chr9:128,608,163, T>C. VCF-style: chr9-128608163-T-C. GRCh37 (hg19) VCF-style: chr9-131370442-T-C.
Other names: c.4318T>C, p.Trp1440Arg (NM_001195532.2, NM_001363765.2, NM_001375314.2); c.4378T>C, p.Trp1460Arg (NM_001363759.2, NM_001375310.1, NM_001375311.2 and 2 more transcripts); c.4414T>C, p.Trp1472Arg (NM_001375312.2, NM_001375318.1); short protein forms W1440R, W1460R, W1472R.
Identifiers: ClinVar variation 1933805 (VCV001933805.5), dbSNP rs2541756938, ClinGen allele CA375066912.
Genomic context (GRCh38, chr9:128,608,163, plus strand): 5'-TTCTCACCTGCCTCTTGCCCTCTTTAGCTGTTCCATCGGGACTGTGAGCAAGCTGAGAAC[T>C]GGATGGCTGCCCGGGAGGCCTTCTTGAATACCGAAGACAAAGGAGACTCACTGGACAGCG-3'
Protein context (NP_001123910.1, residues 1450-1470): FHRDCEQAEN[Trp1460Arg]MAAREAFLNT

ClinVar aggregate classification (germline): Uncertain significance (1 of 4 stars; one submission).

Conditions:
Early-infantile DEE. Also called: Ohtahara syndrome; Early infantile epileptic encephalopathy; Early infantile epileptic encephalopathy with suppression bursts. Identifiers: Orphanet 1934, MedGen C0393706, MONDO:0800491.

Submission:

Labcorp Genetics (formerly Invitae), Labcorp
Classification: Uncertain significance for Early-infantile DEE. Last evaluated: 2023-10-18. Review status: criteria provided, single submitter. Criteria: Invitae Variant Classification Sherloc (09022015). Collection method: clinical testing. Allele origin: germline.
Comment: This sequence change replaces tryptophan, which is neutral and slightly polar, with arginine, which is basic and polar, at codon 1460 of the SPTAN1 protein (p.Trp1460Arg). This variant is not present in population databases (gnomAD no frequency). This variant has not been reported in the literature in individuals affected with SPTAN1-related conditions. ClinVar contains an entry for this variant (Variation ID: 1933805). Advanced modeling of protein sequence and biophysical properties (such as structural, functional, and spatial information, amino acid conservation, physicochemical variation, residue mobility, and thermodynamic stability) has been performed at Invitae for this missense variant, however the output from this modeling did not meet the statistical confidence thresholds required to predict the impact of this variant on SPTAN1 protein function. In summary, the available evidence is currently insufficient to determine the role of this variant in disease. Therefore, it has been classified as a Variant of Uncertain Significance.